The following is an entry in ClinVar:

NM_005236.3(ERCC4):c.1997C>T (p.Ser666Phe)

Gene: ERCC4 (ERCC excision repair 4, endonuclease catalytic subunit; plus strand). Cytogenetic location: 16p13.12.
Variant type: single nucleotide variant.
Coding change: c.1997C>T on transcript NM_005236.3 (MANE Select); coding-DNA position 1997, C replaced by T.
Protein change: p.Ser666Phe; replaces serine 666 with phenylalanine.
Molecular consequence: missense variant.
Genome position (GRCh38, 1-based): chr16:13,944,815, C>T. VCF-style: chr16-13944815-C-T. GRCh37 (hg19) VCF-style: chr16-14038672-C-T.
Other names: short protein forms S666F.
Identifiers: ClinVar variation 1930457 (VCV001930457.5), dbSNP rs2032484990, ClinGen allele CA394818134.

ClinVar aggregate classification (germline): Uncertain significance (1 of 4 stars; one submission).

Conditions:
Xeroderma pigmentosum, group F (XPF). Also called: ERCC4-Related Xeroderma Pigmentosum; XERODERMA PIGMENTOSUM, TYPE F; Xeroderma pigmentosum, type 6; XERODERMA PIGMENTOSUM, COMPLEMENTATION GROUP F; XERODERMA PIGMENTOSUM VI; XP, GROUP F. Identifiers: MedGen C0268140, MONDO:0010215, OMIM 278760.
Cockayne syndrome. Identifiers: Orphanet 191, MedGen C0009207, MONDO:0016006.
Fanconi anemia complementation group Q. Identifiers: Orphanet 84, MedGen C3808988, MONDO:0014108, OMIM 615272.

Allele frequency attached by ClinVar (database versions not stated): gnomAD exomes below 0.00001; gnomAD 0.00001.
gnomAD v4.1: 3 of 1,611,964 alleles (0.00019%); highest among the groups gnomAD compares: Non-Finnish European, 0.00025%; no homozygotes.

Submission:

Labcorp Genetics (formerly Invitae), Labcorp
Classification: Uncertain significance for Fanconi anemia complementation group Q; Xeroderma pigmentosum, group F; Cockayne syndrome. Last evaluated: 2025-01-13. Review status: criteria provided, single submitter. Criteria: Invitae Variant Classification Sherloc (09022015). Collection method: clinical testing. Allele origin: germline.
Comment: This sequence change replaces serine, which is neutral and polar, with phenylalanine, which is neutral and non-polar, at codon 666 of the ERCC4 protein (p.Ser666Phe). This variant is not present in population databases (gnomAD no frequency). This variant has not been reported in the literature in individuals affected with ERCC4-related conditions. ClinVar contains an entry for this variant (Variation ID: 1930457). Invitae Evidence Modeling of protein sequence and biophysical properties (such as structural, functional, and spatial information, amino acid conservation, physicochemical variation, residue mobility, and thermodynamic stability) indicates that this missense variant is expected to disrupt ERCC4 protein function with a positive predictive value of 80%. In summary, the available evidence is currently insufficient to determine the role of this variant in disease. Therefore, it has been classified as a Variant of Uncertain Significance.